The following is an entry in ClinVar:

NM_002340.6(LSS):c.1147G>A (p.Gly383Ser)

Gene: LSS (lanosterol synthase; minus strand). Cytogenetic location: 21q22.3.
Variant type: single nucleotide variant.
Coding change: c.1147G>A on transcript NM_002340.6 (MANE Select); coding-DNA position 1147, G replaced by A.
Protein change: p.Gly383Ser; replaces glycine 383 with serine.
Molecular consequence: missense variant.
Genome position (GRCh38, 1-based): chr21:46,210,735, C>T on the plus strand (G>A on the coding strand, the complement: LSS is on the minus strand). VCF-style: chr21-46210735-C-T. GRCh37 (hg19) VCF-style: chr21-47630649-C-T.
Other names: c.1147G>A, p.Gly383Ser (NM_001001438.3); c.1114G>A, p.Gly372Ser (NM_001145436.2); c.907G>A, p.Gly303Ser (NM_001145437.2); c.1147G>A (NM_002340.5); short protein forms G303S, G372S, G383S.
Identifiers: ClinVar variation 1711981 (VCV001711981.3), dbSNP rs766219609, ClinGen allele CA10075130.

ClinVar aggregate classification (germline): Uncertain significance. Review status: criteria provided, multiple submitters, no conflicts (2 of 4 stars). 2 submissions from 2 submitters: Uncertain significance (2). Last evaluated 2025-02-18.

Conditions:
Inborn genetic diseases. Identifiers: MedGen C0950123, MeSH D030342.

Allele frequency attached by ClinVar (database versions not stated): ExAC 0.00001; gnomAD 0.00001; TOPMed 0.00002.

Submissions (2):

Ambry Genetics
Classification: Uncertain significance for Inborn genetic diseases. Last evaluated: 2025-02-18. Review status: criteria provided, single submitter. Criteria: Ambry Variant Classification Scheme 2023. Collection method: clinical testing. Allele origin: germline.

GeneDx
Classification: Uncertain significance. Last evaluated: 2022-10-18. Review status: criteria provided, single submitter. Criteria: GeneDx Variant Classification Process June 2021. Collection method: clinical testing. Allele origin: germline. Affected: yes.
Comment: Not observed at significant frequency in large population cohorts (gnomAD); In silico analysis supports that this missense variant has a deleterious effect on protein structure/function; Has not been previously published as pathogenic or benign to our knowledge